The following is an entry in ClinVar:

NM_000079.4(CHRNA1):c.860C>G (p.Thr287Arg)

Gene: CHRNA1 (cholinergic receptor nicotinic alpha 1 subunit; minus strand). Cytogenetic location: 2q31.1.
Variant type: single nucleotide variant.
Coding change: c.860C>G on transcript NM_000079.4 (MANE Select); coding-DNA position 860, C replaced by G.
Protein change: p.Thr287Arg; replaces threonine 287 with arginine.
Molecular consequence: missense variant.
Genome position (GRCh38, 1-based): chr2:174,750,088, G>C on the plus strand (C>G on the coding strand, the complement: CHRNA1 is on the minus strand). VCF-style: chr2-174750088-G-C. GRCh37 (hg19) VCF-style: chr2-175614816-G-C.
Other names: c.935C>G, p.Thr312Arg (NM_001039523.3); short protein forms T312R, T287R.
Identifiers: ClinVar variation 2992568 (VCV002992568.3), dbSNP rs370345788, ClinGen allele CA60848995.

ClinVar aggregate classification (germline): Uncertain significance (1 of 4 stars; one submission).

Conditions:
Lethal multiple pterygium syndrome (LMPS). Identifiers: Orphanet 33108, MedGen C1854678, MONDO:0009668, OMIM 253290.

Allele frequency attached by ClinVar (database versions not stated): TOPMed 0.00001; ESP Exome Variant Server 0.00008.
gnomAD v4.1: 1 of 1,613,914 alleles (0.000062%); highest among the groups gnomAD compares: Non-Finnish European, 0.000085%; no homozygotes.

Submission:

Labcorp Genetics (formerly Invitae), Labcorp
Classification: Uncertain significance for Lethal multiple pterygium syndrome. Last evaluated: 2024-04-16. Review status: criteria provided, single submitter. Criteria: Invitae Variant Classification Sherloc (09022015). Collection method: clinical testing. Allele origin: germline.
Comment: This sequence change replaces threonine, which is neutral and polar, with arginine, which is basic and polar, at codon 287 of the CHRNA1 protein (p.Thr287Arg). This variant is not present in population databases (gnomAD no frequency). This variant has not been reported in the literature in individuals affected with CHRNA1-related conditions. Advanced modeling of protein sequence and biophysical properties (such as structural, functional, and spatial information, amino acid conservation, physicochemical variation, residue mobility, and thermodynamic stability) performed at Invitae indicates that this missense variant is expected to disrupt CHRNA1 protein function with a positive predictive value of 80%. In summary, the available evidence is currently insufficient to determine the role of this variant in disease. Therefore, it has been classified as a Variant of Uncertain Significance.